The following is an entry in ClinVar:

ClinVar aggregate classification (germline): Likely benign. Review status: criteria provided, multiple submitters, no conflicts (2 of 4 stars). 3 submissions from 3 submitters: Likely benign (2). 1 of the submissions does not count toward it. Last evaluated 2025-12-30.

Conditions:
RIN2-related disorder. Also called: RIN2-related condition.

Allele frequency attached by ClinVar (database versions not stated): 1000 Genomes Project 0.00140; 1000 Genomes Project 30x 0.00156; gnomAD 0.00202; ESP Exome Variant Server 0.00130; TOPMed 0.00198; gnomAD exomes 0.00044; ExAC 0.00067.
gnomAD v4.1: 539 of 1,610,062 alleles (0.033%); highest among the groups gnomAD compares: African/African-American, 0.65%; 1 homozygote.

Submissions (3):

Labcorp Genetics (formerly Invitae), Labcorp
Classification: Likely benign. Last evaluated: 2025-12-30. Review status: criteria provided, single submitter. Criteria: Invitae Variant Classification Sherloc (09022015). Collection method: clinical testing. Allele origin: germline.

GeneDx
Classification: Likely benign. Last evaluated: 2020-08-28. Review status: criteria provided, single submitter. Criteria: GeneDx Variant Classification Process June 2021. Collection method: clinical testing. Allele origin: germline. Affected: yes.

PreventionGenetics, part of Exact Sciences
Classification: Likely benign for RIN2-related condition. Last evaluated: 2022-03-01. Review status: no assertion criteria provided. Collection method: clinical testing. Allele origin: germline. Not counted in ClinVar's aggregate classification.
Comment: This variant is classified as likely benign based on ACMG/AMP sequence variant interpretation guidelines (Richards et al. 2015 PMID: 25741868, with internal and published modifications).

NM_018993.4(RIN2):c.276C>A (p.His92Gln)

Gene: RIN2 (Ras and Rab interactor 2; plus strand). Cytogenetic location: 20p11.23.
Variant type: single nucleotide variant.
Coding change: c.276C>A on transcript NM_018993.4 (MANE Select); coding-DNA position 276, C replaced by A.
Protein change: p.His92Gln; replaces histidine 92 with glutamine.
Molecular consequence: missense variant. On other transcripts: 5 prime UTR variant (1).
Genome position (GRCh38, 1-based): chr20:19,956,732, C>A. VCF-style: chr20-19956732-C-A. GRCh37 (hg19) VCF-style: chr20-19937376-C-A.
Other names: c.423C>A, p.His141Gln (NM_001242581.2); c.-270C>A (NM_001378238.1); short protein forms H141Q, H92Q.
Identifiers: ClinVar variation 696330 (VCV000696330.14), dbSNP rs202212179, ClinGen allele CA9779778.